The following is an entry in ClinVar:

ClinVar aggregate classification (germline): Pathogenic (1 of 4 stars; one submission).

Submission:

Labcorp Genetics (formerly Invitae), Labcorp
Classification: Pathogenic. Last evaluated: 2021-04-14. Review status: criteria provided, single submitter. Criteria: Invitae Variant Classification Sherloc (09022015). Collection method: clinical testing. Allele origin: germline.
Comment: For these reasons, this variant has been classified as Pathogenic. This variant has not been reported in the literature in individuals with ELOVL4-related conditions. This variant is a gross deletion of the genomic region encompassing exon(s) 2 of the ELOVL4 gene. This deletion is out-of-frame, and is expected to create a premature translational stop signal and result in an absent or disrupted protein product. Loss-of-function variants in ELOVL4 are known to be pathogenic (PMID: 24571530).

Literature cited by the submitters: PubMed 24571530.

NC_000006.11:g.(?_80635891)_(80636118_?)del

Gene: ELOVL4 (ELOVL fatty acid elongase 4; minus strand). Cytogenetic location: 6q14.1.
Variant type: Deletion.
Identifiers: ClinVar variation 1456770 (VCV001456770.6).